The following is an entry in ClinVar:

NM_000709.4(BCKDHA):c.135T>G (p.Phe45Leu)

Gene: BCKDHA (branched chain keto acid dehydrogenase E1 subunit alpha; plus strand). Cytogenetic location: 19q13.2.
Variant type: single nucleotide variant.
Coding change: c.135T>G on transcript NM_000709.4 (MANE Select); coding-DNA position 135, T replaced by G.
Protein change: p.Phe45Leu; replaces phenylalanine 45 with leucine.
Molecular consequence: missense variant.
Genome position (GRCh38, 1-based): chr19:41,410,663, T>G. VCF-style: chr19-41410663-T-G. GRCh37 (hg19) VCF-style: chr19-41916568-T-G.
Other names: c.135T>G, p.Phe45Leu (NM_001164783.2); short protein forms F45L.
Identifiers: ClinVar variation 950042 (VCV000950042.7), dbSNP rs1430080785, ClinGen allele CA406004587.
Genomic context (GRCh38, chr19:41,410,663, plus strand): 5'-TGATGCAGGTGGTCTCCTCTGCTCTCTTCCCCAGCACCCCCCCAGGCAGCAGCAGCAGTT[T>G]TCATCTCTGGATGACAAGCCCCAGTTCCCAGGGGCCTCGGCGGAGTTTATAGATAAGTTG-3'
Protein context (NP_000700.1, residues 35-55): RSHPPRQQQQ[Phe45Leu]SSLDDKPQFP

ClinVar aggregate classification (germline): Uncertain significance. Review status: criteria provided, single submitter (1 of 4 stars). 2 submissions from 2 submitters: Uncertain significance (1). 1 of the submissions does not count toward it. Last evaluated 2021-09-02.

Conditions:
Maple syrup urine disease (MSUD). Identifiers: Orphanet 511, MedGen C0024776, MeSH D008375, MONDO:0009563. Disease mechanism: loss of function.
Maple syrup urine disease type 1A (MSUD1A). Also called: MSUD type 1A. Identifiers: MedGen C1855369, MONDO:0023691, OMIM 248600.

Allele frequency attached by ClinVar (database versions not stated): gnomAD exomes below 0.00001.
gnomAD v4.1: 4 of 1,614,194 alleles (0.00025%); highest among the groups gnomAD compares: Non-Finnish European, 0.00034%; no homozygotes.

Submissions (2):

Labcorp Genetics (formerly Invitae), Labcorp
Classification: Uncertain significance for Maple syrup urine disease. Last evaluated: 2021-09-02. Review status: criteria provided, single submitter. Criteria: Invitae Variant Classification Sherloc (09022015). Collection method: clinical testing. Allele origin: germline.
Comment: This sequence change replaces phenylalanine with leucine at codon 45 of the BCKDHA protein (p.Phe45Leu). The phenylalanine residue is highly conserved and there is a small physicochemical difference between phenylalanine and leucine. This variant is not present in population databases (ExAC no frequency). This variant has not been reported in the literature in individuals affected with BCKDHA-related conditions. Algorithms developed to predict the effect of missense changes on protein structure and function are either unavailable or do not agree on the potential impact of this missense change (SIFT: "Deleterious"; PolyPhen-2: "Benign"; Align-GVGD: "Class C15"). In summary, the available evidence is currently insufficient to determine the role of this variant in disease. Therefore, it has been classified as a Variant of Uncertain Significance.

Natera, Inc.
Classification: Uncertain significance for Maple syrup urine disease type 1A. Last evaluated: 2020-02-26. Review status: no assertion criteria provided. Collection method: clinical testing. Allele origin: germline. Not counted in ClinVar's aggregate classification.